The following is an entry in ClinVar:

ClinVar aggregate classification (germline): Uncertain significance. Review status: criteria provided, multiple submitters, no conflicts (2 of 4 stars). 2 submissions from 2 submitters: Uncertain significance (2). Last evaluated 2026-02-15.

Conditions:
Inborn genetic diseases. Identifiers: MedGen C0950123, MeSH D030342.
Baller-Gerold syndrome (BGS). Also called: CRANIOSYNOSTOSIS WITH RADIAL DEFECTS. Identifiers: Orphanet 1225, MedGen C0265308, MONDO:0009039, OMIM 218600.

Allele frequency attached by ClinVar (database versions not stated): gnomAD 0.00001; TOPMed 0.00001.
gnomAD v4.1: 3 of 1,612,238 alleles (0.00019%); highest among the groups gnomAD compares: East Asian, 0.0067%; no homozygotes.

Submissions (2):

Ambry Genetics
Classification: Uncertain significance for Inborn genetic diseases. Last evaluated: 2026-02-15. Review status: criteria provided, single submitter. Criteria: Ambry Variant Classification Scheme 2023. Collection method: clinical testing. Allele origin: germline.
Comment: The p.S611C variant (also known as c.1832C>G), located in coding exon 11 of the RECQL4 gene, results from a C to G substitution at nucleotide position 1832. The serine at codon 611 is replaced by cysteine, an amino acid with dissimilar properties. This amino acid position is conserved. In addition, this alteration is predicted to be deleterious by in silico analysis. Based on the available evidence, the clinical significance of this variant remains unclear.

Labcorp Genetics (formerly Invitae), Labcorp
Classification: Uncertain significance for Baller-Gerold syndrome. Last evaluated: 2024-06-17. Review status: criteria provided, single submitter. Criteria: Invitae Variant Classification Sherloc (09022015). Collection method: clinical testing. Allele origin: germline.
Comment: This sequence change replaces serine, which is neutral and polar, with cysteine, which is neutral and slightly polar, at codon 611 of the RECQL4 protein (p.Ser611Cys). This variant is present in population databases (no rsID available, gnomAD 0.06%). This variant has not been reported in the literature in individuals affected with RECQL4-related conditions. ClinVar contains an entry for this variant (Variation ID: 1042758). Advanced modeling of protein sequence and biophysical properties (such as structural, functional, and spatial information, amino acid conservation, physicochemical variation, residue mobility, and thermodynamic stability) performed at Invitae indicates that this missense variant is expected to disrupt RECQL4 protein function with a positive predictive value of 80%. In summary, the available evidence is currently insufficient to determine the role of this variant in disease. Therefore, it has been classified as a Variant of Uncertain Significance.

NM_004260.4(RECQL4):c.1832C>G (p.Ser611Cys)

Gene: RECQL4 (RecQ like helicase 4; minus strand). Cytogenetic location: 8q24.3.
Variant type: single nucleotide variant.
Coding change: c.1832C>G on transcript NM_004260.4 (MANE Select); coding-DNA position 1832, C replaced by G.
Protein change: p.Ser611Cys; replaces serine 611 with cysteine.
Molecular consequence: missense variant.
Genome position (GRCh38, 1-based): chr8:144,514,235, G>C on the plus strand (C>G on the coding strand, the complement: RECQL4 is on the minus strand). VCF-style: chr8-144514235-G-C. GRCh37 (hg19) VCF-style: chr8-145739619-G-C.
Other names: c.1832C>G (NM_004260.3); short protein forms S611C.
Identifiers: ClinVar variation 1042758 (VCV001042758.6), dbSNP rs766282231, ClinGen allele CA372680743.